The following is an entry in ClinVar:

NM_000159.4(GCDH):c.1239C>A (p.Tyr413Ter)

Gene: GCDH (glutaryl-CoA dehydrogenase; plus strand). Cytogenetic location: 19p13.13.
Variant type: single nucleotide variant.
Coding change: c.1239C>A on transcript NM_000159.4 (MANE Select); coding-DNA position 1239, C replaced by A.
Protein change: p.Tyr413Ter; replaces tyrosine 413 with a stop codon.
Molecular consequence: nonsense. On other transcripts: non-coding transcript variant (2).
Genome position (GRCh38, 1-based): chr19:12,897,859, C>A. VCF-style: chr19-12897859-C-A. GRCh37 (hg19) VCF-style: chr19-13008673-C-A.
Other names: c.1239C>A (NM_000159.3); c.1239C>A, p.Tyr413Ter (NM_013976.5); short protein forms Y413*.
Identifiers: ClinVar variation 189066 (VCV000189066.6), dbSNP rs776082304, ClinGen allele CA274339.

ClinVar aggregate classification (germline): Pathogenic. Review status: criteria provided, multiple submitters, no conflicts (2 of 4 stars). 3 submissions from 3 submitters: Pathogenic (2). 1 of the submissions does not count toward it. Last evaluated 2024-02-24.

Conditions:
GCDH-related disorder. Also called: GCDH-related condition.
Glutaric aciduria, type 1. Also called: GA I; Glutaric Acidemia Type 1; Glutaricacidemia Type 1; Glutaricaciduria, type I; Glutaryl-CoA dehydrogenase deficiency; Glutaric acidemia type I. Identifiers: Orphanet 25, MedGen C0268595, MONDO:0009281, OMIM 231670.

Submissions (3):

Labcorp Genetics (formerly Invitae), Labcorp
Classification: Pathogenic for Glutaric aciduria, type 1. Last evaluated: 2024-02-24. Review status: criteria provided, single submitter. Criteria: Invitae Variant Classification Sherloc (09022015). Collection method: clinical testing. Allele origin: germline.
Comment: This sequence change creates a premature translational stop signal (p.Tyr413*) in the GCDH gene. While this is not anticipated to result in nonsense mediated decay, it is expected to disrupt the last 26 amino acid(s) of the GCDH protein. This variant is not present in population databases (gnomAD no frequency). This premature translational stop signal has been observed in individual(s) with glutaric acidemia type I (PMID: 10699052). ClinVar contains an entry for this variant (Variation ID: 189066). This variant disrupts a region of the GCDH protein in which other variant(s) (p.Ala433Val) have been determined to be pathogenic (PMID: 10960496, 12948740, 21176883, 29201125, 31952437). This suggests that this is a clinically significant region of the protein, and that variants that disrupt it are likely to be disease-causing. For these reasons, this variant has been classified as Pathogenic.

PreventionGenetics, part of Exact Sciences
Classification: Pathogenic for GCDH-related condition. Last evaluated: 2022-11-20. Review status: criteria provided, single submitter. Criteria: ACMG Guidelines, 2015. Collection method: clinical testing. Allele origin: germline.
Comment: The GCDH c.1239C>A variant is predicted to result in premature protein termination (p.Tyr413*). This variant was reported in a study of individuals with an individual with glutaric acidemia type 1, although no additional functional or segregation data was reported (Zschocke et al. 2000. PubMed ID: 10699052). It was also reported in the homozygous state in an individual identified based on abnormal newborn screen results suggestive of glutaric acidemia type 1 (Harting et al. 2009. PubMed ID: 19433437). This variant has not been reported in a large population database, indicating it is rare. Nonsense variants in GCDH are expected to be pathogenic. Taken together, this variant is interpreted as pathogenic.

Counsyl
Classification: Likely pathogenic for Glutaric aciduria, type 1. Last evaluated: 2014-11-21. Review status: no assertion criteria provided. Collection method: literature only. Allele origin: unknown. Inheritance: Autosomal recessive inheritance. Not counted in ClinVar's aggregate classification.

Literature cited by the submitters: PubMed 10699052 (cited by Labcorp Genetics (formerly Invitae), Labcorp and Counsyl); PubMed 10960496 (cited by Labcorp Genetics (formerly Invitae), Labcorp); PubMed 12948740 (cited by Labcorp Genetics (formerly Invitae), Labcorp); PubMed 21176883 (cited by Labcorp Genetics (formerly Invitae), Labcorp); PubMed 29201125 (cited by Labcorp Genetics (formerly Invitae), Labcorp); PubMed 31952437 (cited by Labcorp Genetics (formerly Invitae), Labcorp); PubMed 8541831 (cited by Counsyl); PubMed 11508549 (cited by Counsyl); PubMed 19433437 (cited by Counsyl).